The following is an entry in ClinVar:

ClinVar aggregate classification (germline): Uncertain significance (1 of 4 stars; one submission).

Allele frequency attached by ClinVar (database versions not stated): TOPMed below 0.00001.

Submission:

Labcorp Genetics (formerly Invitae), Labcorp
Classification: Uncertain significance. Last evaluated: 2022-11-12. Review status: criteria provided, single submitter. Criteria: Invitae Variant Classification Sherloc (09022015). Collection method: clinical testing. Allele origin: germline.
Comment: This sequence change replaces glutamine, which is neutral and polar, with arginine, which is basic and polar, at codon 2453 of the VCAN protein (p.Gln2453Arg). This variant is not present in population databases (gnomAD no frequency). This variant has not been reported in the literature in individuals affected with VCAN-related conditions. Algorithms developed to predict the effect of missense changes on protein structure and function output the following: SIFT: "Deleterious"; PolyPhen-2: "Benign"; Align-GVGD: "Class C35". The arginine amino acid residue is found in multiple mammalian species, which suggests that this missense change does not adversely affect protein function. In summary, the available evidence is currently insufficient to determine the role of this variant in disease. Therefore, it has been classified as a Variant of Uncertain Significance.

NM_004385.5(VCAN):c.7358A>G (p.Gln2453Arg)

Genes: VCAN (versican; plus strand), VCAN-AS1 (VCAN antisense RNA 1; minus strand). Cytogenetic location: 5q14.3.
Variant type: single nucleotide variant.
Coding change: c.7358A>G on transcript NM_004385.5 (MANE Select); coding-DNA position 7358, A replaced by G.
Protein change: p.Gln2453Arg; replaces glutamine 2453 with arginine.
Molecular consequence: missense variant. On other transcripts: intron variant (2).
Genome position (GRCh38, 1-based): chr5:83,540,361, A>G. VCF-style: chr5-83540361-A-G. GRCh37 (hg19) VCF-style: chr5-82836180-A-G.
Other names: c.4397A>G, p.Gln1466Arg (NM_001164097.2); c.4004-5176A>G (NM_001164098.2); c.1043-5176A>G (NM_001126336.3); short protein forms Q2453R, Q1466R.
Identifiers: ClinVar variation 2813840 (VCV002813840.3), dbSNP rs1746921009, ClinGen allele CA360314570.